The following is an entry in ClinVar:

NM_001142800.2(EYS):c.4718A>C (p.Gln1573Pro)

Gene: EYS (EGF-like photoreceptor maintenance factor; minus strand). Cytogenetic location: 6q12.
Variant type: single nucleotide variant.
Coding change: c.4718A>C on transcript NM_001142800.2 (MANE Select); coding-DNA position 4718, A replaced by C.
Protein change: p.Gln1573Pro; replaces glutamine 1573 with proline.
Molecular consequence: missense variant.
Genome position (GRCh38, 1-based): chr6:64,591,149, T>G on the plus strand (A>C on the coding strand, the complement: EYS is on the minus strand). VCF-style: chr6-64591149-T-G. GRCh37 (hg19) VCF-style: chr6-65301042-T-G.
Other names: c.4718A>C, p.Gln1573Pro (NM_001292009.2); short protein forms Q1573P.
Identifiers: ClinVar variation 970147 (VCV000970147.6), dbSNP rs1248199893, ClinGen allele CA364782696.

ClinVar aggregate classification (germline): Uncertain significance. Review status: criteria provided, multiple submitters, no conflicts (2 of 4 stars). 4 submissions from 4 submitters: Uncertain significance (3). 1 of the submissions does not count toward it. Last evaluated 2022-05-25.

Conditions:
Retinitis pigmentosa 25 (RP25). Identifiers: Orphanet 791, MedGen C1864446, MONDO:0011272, OMIM 602772.
Inborn genetic diseases. Identifiers: MedGen C0950123, MeSH D030342.

Allele frequency attached by ClinVar (database versions not stated): gnomAD exomes below 0.00001; gnomAD 0.00001; TOPMed 0.00002.
gnomAD v4.1: 3 of 1,551,242 alleles (0.00019%); highest among the groups gnomAD compares: African/African-American, 0.0027%; no homozygotes.

Submissions (4):

Ambry Genetics
Classification: Uncertain significance for Inborn genetic diseases. Last evaluated: 2022-05-25. Review status: criteria provided, single submitter. Criteria: Ambry Variant Classification Scheme 2023. Collection method: clinical testing. Allele origin: germline.

Blueprint Genetics
Classification: Uncertain significance. Last evaluated: 2022-04-01. Review status: criteria provided, single submitter. Criteria: ACMG Guidelines, 2015. Collection method: clinical testing. Allele origin: germline.

Labcorp Genetics (formerly Invitae), Labcorp
Classification: Uncertain significance. Last evaluated: 2022-02-04. Review status: criteria provided, single submitter. Criteria: Invitae Variant Classification Sherloc (09022015). Collection method: clinical testing. Allele origin: germline.
Comment: This sequence change replaces glutamine, which is neutral and polar, with proline, which is neutral and non-polar, at codon 1573 of the EYS protein (p.Gln1573Pro). This variant is not present in population databases (gnomAD no frequency). This variant has not been reported in the literature in individuals affected with EYS-related conditions. ClinVar contains an entry for this variant (Variation ID: 970147). Algorithms developed to predict the effect of missense changes on protein structure and function are either unavailable or do not agree on the potential impact of this missense change (SIFT: "Tolerated"; PolyPhen-2: "Possibly Damaging"; Align-GVGD: "Class C0"). In summary, the available evidence is currently insufficient to determine the role of this variant in disease. Therefore, it has been classified as a Variant of Uncertain Significance.

Natera, Inc.
Classification: Uncertain significance for Retinitis pigmentosa type 25. Last evaluated: 2020-06-04. Review status: no assertion criteria provided. Collection method: clinical testing. Allele origin: germline. Not counted in ClinVar's aggregate classification.